The following is an entry in ClinVar:

NM_001349253.2(SCN11A):c.3449G>T (p.Arg1150Leu)

Gene: SCN11A (sodium voltage-gated channel alpha subunit 11; minus strand). Cytogenetic location: 3p22.2.
Variant type: single nucleotide variant.
Coding change: c.3449G>T on transcript NM_001349253.2 (MANE Select); coding-DNA position 3449, G replaced by T.
Protein change: p.Arg1150Leu; replaces arginine 1150 with leucine.
Molecular consequence: missense variant.
Genome position (GRCh38, 1-based): chr3:38,872,239, C>A on the plus strand (G>T on the coding strand, the complement: SCN11A is on the minus strand). VCF-style: chr3-38872239-C-A. GRCh37 (hg19) VCF-style: chr3-38913730-C-A.
Other names: c.3449G>T, p.Arg1150Leu (NM_014139.3); short protein forms R1150L.
Identifiers: ClinVar variation 648481 (VCV000648481.9), dbSNP rs951508265, ClinGen allele CA72980428.

ClinVar aggregate classification (germline): Uncertain significance. Review status: criteria provided, multiple submitters, no conflicts (2 of 4 stars). 3 submissions from 3 submitters: Uncertain significance (3). Last evaluated 2026-05-12.

Conditions:
SCN11A-related disorder. Also called: SCN11A-related condition.
Inborn genetic diseases. Identifiers: MedGen C0950123, MeSH D030342.
Hereditary sensory and autonomic neuropathy type 7. Also called: Neuropathy, hereditary sensory and autonomic, type VII; HSAN VII. Identifiers: Orphanet 391397, MedGen C3809882, MONDO:0014244, OMIM 615548.
Familial episodic pain syndrome with predominantly lower limb involvement. Also called: Episodic pain syndrome, familial, 3. Identifiers: Orphanet 391384, Orphanet 391392, MedGen C3809899, MONDO:0014247, OMIM 615552.

Allele frequency attached by ClinVar (database versions not stated): gnomAD 0.00003; TOPMed 0.00003.

Submissions (3):

PreventionGenetics, part of Exact Sciences
Classification: Uncertain significance for SCN11A-related condition. Last evaluated: 2026-05-12. Review status: criteria provided, single submitter. Criteria: ACMG Guidelines, 2015. Collection method: clinical testing. Allele origin: germline.
Comment: The SCN11A c.3449G>T variant is predicted to result in the amino acid substitution p.Arg1150Leu. To our knowledge, this variant has not been reported in the literature. This variant is reported in 0.0031% of alleles in individuals of European (non-Finnish) descent in gnomAD. At this time, the clinical significance of this variant is uncertain due to the absence of conclusive functional and genetic evidence.

Ambry Genetics
Classification: Uncertain significance for Inborn genetic diseases. Last evaluated: 2025-12-09. Review status: criteria provided, single submitter. Criteria: Ambry Variant Classification Scheme 2023. Collection method: clinical testing. Allele origin: germline.

Labcorp Genetics (formerly Invitae), Labcorp
Classification: Uncertain significance for Familial episodic pain syndrome with predominantly lower limb involvement; Hereditary sensory and autonomic neuropathy type 7. Last evaluated: 2025-11-09. Review status: criteria provided, single submitter. Criteria: Invitae Variant Classification Sherloc (09022015). Collection method: clinical testing. Allele origin: germline.
Comment: This sequence change replaces arginine, which is basic and polar, with leucine, which is neutral and non-polar, at codon 1150 of the SCN11A protein (p.Arg1150Leu). This variant is present in population databases (no rsID available, gnomAD 0.003%). This variant has not been reported in the literature in individuals affected with SCN11A-related conditions. This missense change has been observed in at least one individual who was not affected with SCN11A-related conditions (internal data). ClinVar contains an entry for this variant (Variation ID: 648481). Invitae Evidence Modeling of protein sequence and biophysical properties (such as structural, functional, and spatial information, amino acid conservation, physicochemical variation, residue mobility, and thermodynamic stability) indicates that this missense variant is expected to disrupt SCN11A protein function with a positive predictive value of 80%. In summary, the available evidence is currently insufficient to determine the role of this variant in disease. Therefore, it has been classified as a Variant of Uncertain Significance.